The following is an entry in ClinVar:

NM_206933.4(USH2A):c.15286del (p.Glu5096fs)

Gene: USH2A (usherin; minus strand). Cytogenetic location: 1q41.
Variant type: Deletion.
Coding change: c.15286del on transcript NM_206933.4 (MANE Select); coding-DNA position 15286, one base deleted (G; older notation c.15286delG).
Protein change: p.Glu5096fs; shifts the reading frame from glutamic acid 5096.
Molecular consequence: frameshift variant.
Genome position (GRCh38, 1-based): chr1:215,634,470, C deleted on the plus strand (G on the coding strand, the reverse complement: USH2A is on the minus strand); the first of 5 consecutive C bases (chr1:215,634,470-215,634,474); deleting any one gives the same sequence. VCF-style (leftmost placement, unchanged base first): chr1-215634469-TC-T. GRCh37 (hg19) VCF-style: chr1-215807811-TC-T.
Other names: short protein forms E5096fs.
Identifiers: ClinVar variation 1457041 (VCV001457041.6), dbSNP rs1656408131, ClinGen allele CA645519356.

ClinVar aggregate classification (germline): Pathogenic (1 of 4 stars; one submission).

Submission:

Labcorp Genetics (formerly Invitae), Labcorp
Classification: Pathogenic. Last evaluated: 2023-08-29. Review status: criteria provided, single submitter. Criteria: Invitae Variant Classification Sherloc (09022015). Collection method: clinical testing. Allele origin: germline.
Comment: For these reasons, this variant has been classified as Pathogenic. ClinVar contains an entry for this variant (Variation ID: 1457041). This variant has not been reported in the literature in individuals affected with USH2A-related conditions. This variant is not present in population databases (gnomAD no frequency). This sequence change creates a premature translational stop signal (p.Glu5096Lysfs*6) in the USH2A gene. It is expected to result in an absent or disrupted protein product. Loss-of-function variants in USH2A are known to be pathogenic (PMID: 10729113, 10909849, 20507924, 25649381).

Literature cited by the submitters: PubMed 10729113; PubMed 10909849; PubMed 20507924; PubMed 25649381.